The following is an entry in ClinVar:

ClinVar aggregate classification (germline): Pathogenic (1 of 4 stars; one submission).

Conditions:
Fanconi anemia complementation group E (FANCE). Also called: FANCE-Related Fanconi Anemia. Identifiers: Orphanet 84, MedGen C3160739, MONDO:0010953, OMIM 600901.

Submission:

Labcorp Genetics (formerly Invitae), Labcorp
Classification: Pathogenic for Fanconi anemia complementation group E. Last evaluated: 2025-08-20. Review status: criteria provided, single submitter. Criteria: Invitae Variant Classification Sherloc (09022015). Collection method: clinical testing. Allele origin: germline.
Comment: This sequence change creates a premature translational stop signal (p.Glu187Glyfs*27) in the FANCE gene. It is expected to result in an absent or disrupted protein product. Loss-of-function variants in FANCE are known to be pathogenic (PMID: 11001585, 17924555). This variant is not present in population databases (gnomAD no frequency). This variant has not been reported in the literature in individuals affected with FANCE-related conditions. ClinVar contains an entry for this variant (Variation ID: 3729013). For these reasons, this variant has been classified as Pathogenic.

Literature cited by the submitters: PubMed 11001585; PubMed 17924555.

NM_021922.3(FANCE):c.560_568delinsGGACTCCAGACCC (p.Glu187fs)

Gene: FANCE (FA complementation group E; plus strand). Cytogenetic location: 6p21.31.
Variant type: Indel.
Coding change: c.560_568delinsGGACTCCAGACCC on transcript NM_021922.3 (MANE Select); coding-DNA positions 560 to 568, AAGAAGAGG replaced by GGACTCCAGACCC.
Protein change: p.Glu187fs; shifts the reading frame from glutamic acid 187.
Molecular consequence: frameshift variant.
Genome position (GRCh38, 1-based): chr6:35,456,058-35,456,066, AAGAAGAGG replaced by GGACTCCAGACCC. VCF-style: chr6-35456058-AAGAAGAGG-GGACTCCAGACCC. GRCh37 (hg19) VCF-style: chr6-35423835-AAGAAGAGG-GGACTCCAGACCC.
Other names: c.560_568delinsGGACTCCAGACCC, p.Glu187fs (NM_001410876.1); short protein forms E187fs.
Identifiers: ClinVar variation 3729013 (VCV003729013.2).